The following is an entry in ClinVar:

NM_001310137.5(NPIPB11):c.1808C>G (p.Pro603Arg)

Gene: NPIPB11 (nuclear pore complex interacting protein family member B11). Cytogenetic location: 16p11.2.
Variant type: single nucleotide variant.
Coding change: c.1808C>G on transcript NM_001310137.5 (MANE Select); coding-DNA position 1808, C replaced by G.
Protein change: p.Pro603Arg; replaces proline 603 with arginine.
Molecular consequence: missense variant.
Genome position (GRCh38, 1-based): chr16:29,383,124, G>C on the plus strand (C>G on the coding strand, the complement: NPIPB11 is on the minus strand). VCF-style: chr16-29383124-G-C. GRCh37 (hg19) VCF-style: chr16-29394445-G-C.
Other names: short protein forms P603R.
Identifiers: ClinVar variation 2646360 (VCV002646360.24), dbSNP rs536085707, ClinGen allele CA7991243.

ClinVar aggregate classification (germline): Likely benign (1 of 4 stars; one submission).

Allele frequency attached by ClinVar (database versions not stated): 1000 Genomes Project 0.00200; gnomAD exomes 0.00241; gnomAD 0.00552.
gnomAD v4.1: 4,267 of 1,569,374 alleles (0.27%); highest among the groups gnomAD compares: Admixed American, 0.31%; 40 homozygotes.

Submission:

CeGaT Center for Human Genetics Tuebingen
Classification: Likely benign. Last evaluated: 2025-12-01. Review status: criteria provided, single submitter. Criteria: CeGaT Center For Human Genetics Tuebingen Variant Classification Criteria Version 2. Collection method: clinical testing. Allele origin: germline. Affected: yes. Observed: 2 variant alleles.
Comment: NPIPB11: BP4, BS2